The following is an entry in ClinVar:

ClinVar aggregate classification (germline): Conflicting classifications of pathogenicity. Review status: criteria provided, conflicting classifications (1 of 4 stars). 6 submissions from 6 submitters: Uncertain significance (1); Likely benign (1). 4 of the submissions do not count toward it. Last evaluated 2026-02-16.

Conditions:
Hypertrophic cardiomyopathy 19. Also called: Familial hypertrophic cardiomyopathy 19. Identifiers: MedGen CN077603, MONDO:0013476.

Allele frequency attached by ClinVar (database versions not stated): gnomAD exomes 0.00008 and 0.00028; ExAC 0.00010; gnomAD 0.00011 and 0.00012; TOPMed 0.00013; ESP Exome Variant Server 0.00015.
gnomAD v4.1: 407 of 1,598,358 alleles (0.025%); highest among the groups gnomAD compares: Non-Finnish European, 0.034%; no homozygotes.

Submissions (6):

Women's Health and Genetics/Laboratory Corporation of America, LabCorp
Classification: Likely benign. Last evaluated: 2026-02-16. Review status: criteria provided, single submitter. Criteria: LabCorp Variant Classification Summary - May 2015. Collection method: clinical testing. Allele origin: germline.
Comment: Variant summary: CALR3 c.403G>A (p.Asp135Asn) results in a conservative amino acid change in the encoded protein sequence. Algorithms developed to predict the effect of missense changes on protein structure and function are either unavailable or do not agree on the potential impact of this missense change. The variant allele was found at a frequency of 7.6e-05 in 249342 control chromosomes. The observed variant frequency exceeds the estimated maximal expected allele frequency for disease-causing variants in CALR3. c.403G>A has been observed in individual(s) affected with Cardiomyopathy without strong evidence for causality (Verhagen_2018, Haas_2015, van Lint_2019, van Waning_2018, Thomson_2019). These report(s) do not provide unequivocal conclusions about association of the variant with Cardiomyopathy. To our knowledge, no experimental evidence demonstrating an impact on protein function has been reported. The following publications have been ascertained in the context of this evaluation (PMID: 25163546, 30531895, 29988065, 30847666, 29447731). ClinVar contains an entry for this variant (Variation ID: 410619). Based on the evidence outlined above, the variant was classified as likely benign.

Labcorp Genetics (formerly Invitae), Labcorp
Classification: Uncertain significance for Hypertrophic cardiomyopathy 19. Last evaluated: 2025-12-08. Review status: criteria provided, single submitter. Criteria: Invitae Variant Classification Sherloc (09022015). Collection method: clinical testing. Allele origin: germline.
Comment: This sequence change replaces aspartic acid, which is acidic and polar, with asparagine, which is neutral and polar, at codon 135 of the CALR3 protein (p.Asp135Asn). This variant is present in population databases (rs143932873, gnomAD 0.02%). This missense change has been observed in individual(s) with cardiomyopathy (PMID: 25163546, 29988065, 30847666). ClinVar contains an entry for this variant (Variation ID: 410619). Invitae Evidence Modeling of protein sequence and biophysical properties (such as structural, functional, and spatial information, amino acid conservation, physicochemical variation, residue mobility, and thermodynamic stability) indicates that this missense variant is expected to disrupt CALR3 protein function with a positive predictive value of 80%. Algorithms developed to predict the effect of sequence changes on RNA splicing suggest that this variant may disrupt the consensus splice site. In summary, the available evidence is currently insufficient to determine the role of this variant in disease. Therefore, it has been classified as a Variant of Uncertain Significance.

Clinical Genetics DNA and cytogenetics Diagnostics Lab, Erasmus MC, Erasmus Medical Center
Classification: Uncertain significance. Review status: no assertion criteria provided. Collection method: clinical testing. Allele origin: germline. Affected: yes. Study: VKGL Data-share Consensus. Not counted in ClinVar's aggregate classification.

Clinical Genetics, Academic Medical Center
Classification: Uncertain significance. Review status: no assertion criteria provided. Collection method: clinical testing. Allele origin: germline. Affected: yes. Study: VKGL Data-share Consensus. Not counted in ClinVar's aggregate classification.

Diagnostic Laboratory, Department of Genetics, University Medical Center Groningen
Classification: Uncertain significance. Review status: no assertion criteria provided. Collection method: clinical testing. Allele origin: germline. Affected: yes. Study: VKGL Data-share Consensus. Not counted in ClinVar's aggregate classification.

Genome Diagnostics Laboratory, University Medical Center Utrecht
Classification: Uncertain significance. Review status: no assertion criteria provided. Collection method: clinical testing. Allele origin: germline. Affected: yes. Study: VKGL Data-share Consensus. Not counted in ClinVar's aggregate classification.

Literature cited by the submitters: PubMed 25163546 (cited by Women's Health and Genetics/Laboratory Corporation of America, LabCorp and Labcorp Genetics (formerly Invitae), Labcorp); PubMed 30847666 (cited by Women's Health and Genetics/Laboratory Corporation of America, LabCorp and Labcorp Genetics (formerly Invitae), Labcorp); PubMed 29447731 (cited by Women's Health and Genetics/Laboratory Corporation of America, LabCorp); PubMed 30531895 (cited by Women's Health and Genetics/Laboratory Corporation of America, LabCorp); PubMed 29988065 (cited by Women's Health and Genetics/Laboratory Corporation of America, LabCorp and Labcorp Genetics (formerly Invitae), Labcorp).

NM_145046.5(CALR3):c.403G>A (p.Asp135Asn)

Gene: CALR3 (calreticulin 3; minus strand). Cytogenetic location: 19p13.11.
Variant type: single nucleotide variant.
Coding change: c.403G>A on transcript NM_145046.5 (MANE Select); coding-DNA position 403, G replaced by A.
Protein change: p.Asp135Asn; replaces aspartic acid 135 with asparagine.
Molecular consequence: missense variant.
Genome position (GRCh38, 1-based): chr19:16,485,252, C>T on the plus strand (G>A on the coding strand, the complement: CALR3 is on the minus strand). VCF-style: chr19-16485252-C-T. GRCh37 (hg19) VCF-style: chr19-16596063-C-T.
Other names: short protein forms D135N.
Identifiers: ClinVar variation 410619 (VCV000410619.15), dbSNP rs143932873, ClinGen allele CA9278411.